The following is an entry in ClinVar:

NM_003640.5(ELP1):c.1360+293C>T

Gene: ELP1 (elongator acetyltransferase complex subunit 1; minus strand). Cytogenetic location: 9q31.3.
Variant type: single nucleotide variant.
Coding change: c.1360+293C>T on transcript NM_003640.5 (MANE Select); 293 bases into the intron after coding-DNA position 1360, C replaced by T.
Molecular consequence: intron variant.
Genome position (GRCh38, 1-based): chr9:108,910,717, G>A on the plus strand (C>T on the coding strand, the complement: ELP1 is on the minus strand). VCF-style: chr9-108910717-G-A. GRCh37 (hg19) VCF-style: chr9-111672997-G-A.
Other names: c.1018+293C>T (NM_001318360.2); c.313+293C>T (NM_001330749.2).
Identifiers: ClinVar variation 671966 (VCV000671966.1), dbSNP rs4978761, ClinGen allele CA197543373.

ClinVar aggregate classification (germline): Benign (1 of 4 stars; one submission).

Allele frequency attached by ClinVar (database versions not stated): gnomAD 0.05103 and 0.05307; TOPMed 0.05589; 1000 Genomes Project 0.06849; 1000 Genomes Project 30x 0.06871.
gnomAD v4.1: 8,033 of 151,598 alleles (5.3%); highest among the groups gnomAD compares: East Asian, 12%; 327 homozygotes.

Submission:

GeneDx
Classification: Benign. Last evaluated: 2018-06-19. Review status: criteria provided, single submitter. Criteria: GeneDx Variant Classification (06012015). Collection method: clinical testing. Allele origin: germline. Affected: yes.
Comment: This variant is considered likely benign or benign based on one or more of the following criteria: it is a conservative change, it occurs at a poorly conserved position in the protein, it is predicted to be benign by multiple in silico algorithms, and/or has population frequency not consistent with disease.